The following is an entry in ClinVar:

NM_052925.4(LENG8):c.*438C>T

Gene: LENG8 (leukocyte receptor cluster member 8; plus strand). Cytogenetic location: 19q13.42.
Variant type: single nucleotide variant.
Coding change: c.*438C>T on transcript NM_052925.4 (MANE Select); 438 bases downstream of the stop codon, C replaced by T.
Molecular consequence: 3 prime UTR variant.
Genome position (GRCh38, 1-based): chr19:54,461,366, C>T. VCF-style: chr19-54461366-C-T. GRCh37 (hg19) VCF-style: chr19-54972546-C-T.
Other names: c.*2460C>T (NM_001375638.1, NM_001375639.1, NM_001375640.1 and 2 more transcripts).
Identifiers: ClinVar variation 2650451 (VCV002650451.24), dbSNP rs151232371, ClinGen allele CA309662594.
Genomic context (GRCh38, chr19:54,461,366, plus strand): 5'-GGAAAGAAGACAGGCCGTCCAGCCCGTGCCCGCCTGCGGCGGGGGCACCCAGCAAGCCCG[C>T]CCACCGCCCGCTGCCTCACCTGCTTCGCCACAGACTCTTGTTCCCAGCCCCTTGGGGCCT-3'

ClinVar aggregate classification (germline): Likely benign (1 of 4 stars; one submission).

Allele frequency attached by ClinVar (database versions not stated): 1000 Genomes Project 0.00180; 1000 Genomes Project 30x 0.00187; ExAC 0.00239; TOPMed 0.00288; gnomAD 0.00315; gnomAD exomes 0.00420.

Submission:

CeGaT Center for Human Genetics Tuebingen
Classification: Likely benign. Last evaluated: 2022-11-01. Review status: criteria provided, single submitter. Criteria: CeGaT Center For Human Genetics Tuebingen Variant Classification Criteria Version 2. Collection method: clinical testing. Allele origin: germline. Affected: yes. Observed: 1 variant allele.
Comment: LENG8: BS2